The following is an entry in ClinVar:

ClinVar aggregate classification (germline): Likely pathogenic (1 of 4 stars; one submission).

gnomAD v4.1: 2 of 1,605,588 alleles (0.00012%); highest among the groups gnomAD compares: South Asian, 0.0011%; no homozygotes.

Submission:

Labcorp Genetics (formerly Invitae), Labcorp
Classification: Likely pathogenic. Last evaluated: 2025-05-03. Review status: criteria provided, single submitter. Criteria: Invitae Variant Classification Sherloc (09022015). Collection method: clinical testing. Allele origin: germline.
Comment: This sequence change replaces tryptophan, which is neutral and slightly polar, with arginine, which is basic and polar, at codon 76 of the CRLF1 protein (p.Trp76Arg). This variant is present in population databases (no rsID available, gnomAD 0.001%). This missense change has been observed in individual(s) with cold-induced sweating syndrome (PMID: 31497877). In at least one individual the data is consistent with being in trans (on the opposite chromosome) from a pathogenic variant. Invitae Evidence Modeling of protein sequence and biophysical properties (such as structural, functional, and spatial information, amino acid conservation, physicochemical variation, residue mobility, and thermodynamic stability) indicates that this missense variant is expected to disrupt CRLF1 protein function with a positive predictive value of 80%. This variant disrupts the p.Trp76 amino acid residue in CRLF1. Other variant(s) that disrupt this residue have been determined to be pathogenic (PMID: 17436251, 21326283, 31497877). This suggests that this residue is clinically significant, and that variants that disrupt this residue are likely to be disease-causing. In summary, the currently available evidence indicates that the variant is pathogenic, but additional data are needed to prove that conclusively. Therefore, this variant has been classified as Likely Pathogenic.

Literature cited by the submitters: PubMed 31497877; PubMed 17436251; PubMed 21326283.

NM_004750.5(CRLF1):c.226T>C (p.Trp76Arg)

Gene: CRLF1 (cytokine receptor like factor 1; minus strand). Cytogenetic location: 19p13.11.
Variant type: single nucleotide variant.
Coding change: c.226T>C on transcript NM_004750.5 (MANE Select); coding-DNA position 226, T replaced by C.
Protein change: p.Trp76Arg; replaces tryptophan 76 with arginine.
Molecular consequence: missense variant.
Genome position (GRCh38, 1-based): chr19:18,599,736, A>G on the plus strand (T>C on the coding strand, the complement: CRLF1 is on the minus strand). VCF-style: chr19-18599736-A-G. GRCh37 (hg19) VCF-style: chr19-18710546-A-G.
Other names: short protein forms W76R.
Identifiers: ClinVar variation 4771172 (VCV004771172.1).